The following is an entry in ClinVar:

ClinVar aggregate classification (germline): Uncertain significance (1 of 4 stars; one submission).

Allele frequency attached by ClinVar (database versions not stated): gnomAD exomes below 0.00001.
gnomAD v4.1: 2 of 1,614,234 alleles (0.00012%); highest among the groups gnomAD compares: Admixed American, 0.0033%; no homozygotes.

Submission:

Labcorp Genetics (formerly Invitae), Labcorp
Classification: Uncertain significance. Last evaluated: 2022-10-09. Review status: criteria provided, single submitter. Criteria: Invitae Variant Classification Sherloc (09022015). Collection method: clinical testing. Allele origin: germline.
Comment: Advanced modeling of protein sequence and biophysical properties (such as structural, functional, and spatial information, amino acid conservation, physicochemical variation, residue mobility, and thermodynamic stability) performed at Invitae indicates that this missense variant is not expected to disrupt CAPN5 protein function. This variant has not been reported in the literature in individuals affected with CAPN5-related conditions. This variant is present in population databases (no rsID available, gnomAD 0.003%). This sequence change replaces asparagine, which is neutral and polar, with serine, which is neutral and polar, at codon 144 of the CAPN5 protein (p.Asn144Ser). In summary, the available evidence is currently insufficient to determine the role of this variant in disease. Therefore, it has been classified as a Variant of Uncertain Significance.

NM_004055.5(CAPN5):c.431A>G (p.Asn144Ser)

Gene: CAPN5 (calpain 5; plus strand). Cytogenetic location: 11q13.5.
Variant type: single nucleotide variant.
Coding change: c.431A>G on transcript NM_004055.5 (MANE Select); coding-DNA position 431, A replaced by G.
Protein change: p.Asn144Ser; replaces asparagine 144 with serine.
Molecular consequence: missense variant.
Genome position (GRCh38, 1-based): chr11:77,112,722, A>G. VCF-style: chr11-77112722-A-G. GRCh37 (hg19) VCF-style: chr11-76823768-A-G.
Other names: short protein forms N144S.
Identifiers: ClinVar variation 1912826 (VCV001912826.5), dbSNP rs1555040979, ClinGen allele CA381937229.